The following is an entry in ClinVar:

NM_003628.6(PKP4):c.3028C>T (p.His1010Tyr)

Genes: PKP4 (plakophilin 4; plus strand), PKP4-AS1 (PKP4 antisense RNA 1; minus strand). Cytogenetic location: 2q24.1.
Variant type: single nucleotide variant.
Coding change: c.3028C>T on transcript NM_003628.6 (MANE Select); coding-DNA position 3028, C replaced by T.
Protein change: p.His1010Tyr; replaces histidine 1010 with tyrosine.
Molecular consequence: missense variant.
Genome position (GRCh38, 1-based): chr2:158,673,901, C>T. VCF-style: chr2-158673901-C-T. GRCh37 (hg19) VCF-style: chr2-159530413-C-T.
Other names: c.3028C>T, p.His1010Tyr (NM_001005476.4, NM_001377218.1, NM_001377225.1); c.3025C>T, p.His1009Tyr (NM_001304969.3, NM_001377219.1, NM_001377220.1 and 2 more transcripts); c.1999C>T, p.His667Tyr (NM_001304970.3); c.3022C>T, p.His1008Tyr (NM_001377222.1, NM_001377223.1); c.3019C>T, p.His1007Tyr (NM_001377224.1); short protein forms H1008Y, H1009Y, H1010Y, H667Y, H1007Y.
Identifiers: ClinVar variation 1798982 (VCV001798982.2), dbSNP rs2529887459, ClinGen allele CA348906812.

ClinVar aggregate classification (germline): Uncertain significance (1 of 4 stars; one submission).

Submission:

Ambry Genetics
Classification: Uncertain significance. Last evaluated: 2021-07-27. Review status: criteria provided, single submitter. Criteria: Ambry Variant Classification Scheme 2023. Collection method: clinical testing. Allele origin: germline.
Comment: The p.H1010Y variant (also known as c.3028C>T), located in coding exon 18 of the PKP4 gene, results from a C to T substitution at nucleotide position 3028. The histidine at codon 1010 is replaced by tyrosine, an amino acid with similar properties. This amino acid position is conserved. In addition, this alteration is predicted to be deleterious by in silico analysis. Since supporting evidence is limited at this time, the clinical significance of this alteration remains unclear.